The following is an entry in ClinVar:

ClinVar aggregate classification (germline): Uncertain significance (1 of 4 stars; one submission).

gnomAD v4.1: 4 of 1,613,736 alleles (0.00025%); highest among the groups gnomAD compares: Non-Finnish European, 0.00017%; no homozygotes.

Submission:

Labcorp Genetics (formerly Invitae), Labcorp
Classification: Uncertain significance. Last evaluated: 2024-03-11. Review status: criteria provided, single submitter. Criteria: Invitae Variant Classification Sherloc (09022015). Collection method: clinical testing. Allele origin: germline.
Comment: This sequence change replaces arginine, which is basic and polar, with tryptophan, which is neutral and slightly polar, at codon 1897 of the SRCAP protein (p.Arg1897Trp). This variant is not present in population databases (gnomAD no frequency). This variant has not been reported in the literature in individuals affected with SRCAP-related conditions. Advanced modeling of protein sequence and biophysical properties (such as structural, functional, and spatial information, amino acid conservation, physicochemical variation, residue mobility, and thermodynamic stability) performed at Invitae indicates that this missense variant is not expected to disrupt SRCAP protein function with a negative predictive value of 80%. In summary, the available evidence is currently insufficient to determine the role of this variant in disease. Therefore, it has been classified as a Variant of Uncertain Significance.

NM_006662.3(SRCAP):c.5689C>T (p.Arg1897Trp)

Gene: SRCAP (Snf2 related CREBBP activator protein; plus strand). Cytogenetic location: 16p11.2.
Variant type: single nucleotide variant.
Coding change: c.5689C>T on transcript NM_006662.3 (MANE Select); coding-DNA position 5689, C replaced by T.
Protein change: p.Arg1897Trp; replaces arginine 1897 with tryptophan.
Molecular consequence: missense variant.
Genome position (GRCh38, 1-based): chr16:30,728,996, C>T. VCF-style: chr16-30728996-C-T. GRCh37 (hg19) VCF-style: chr16-30740317-C-T.
Other names: short protein forms R1897W.
Identifiers: ClinVar variation 2786708 (VCV002786708.3), dbSNP rs2506697010, ClinGen allele CA395621129.
Genomic context (GRCh38, chr16:30,728,996, plus strand): 5'-GATTACTTCCTCTTTTTCTCTCACCCCCAGGACTCCCTGGAGGAAAAGCGGAAGCGGCAG[C>T]GGTCTGAACGCCTGGAACGGATTTTCCAACTTAGTGAGGCTCATGGGGCCCTGGCACCTG-3'
Protein context (NP_006653.2, residues 1887-1907): DSLEEKRKRQ[Arg1897Trp]SERLERIFQL